The following is an entry in ClinVar:

NM_000132.4(F8):c.412del (p.Ser138fs)

Gene: F8 (coagulation factor VIII; minus strand). Cytogenetic location: Xq28.
Variant type: Deletion.
Coding change: c.412del on transcript NM_000132.4 (MANE Select); coding-DNA position 412, one base deleted (A; older notation c.412delA).
Protein change: p.Ser138fs; shifts the reading frame from serine 138.
Molecular consequence: frameshift variant.
Genome position (GRCh38, 1-based): chrX:154,993,125, T deleted on the plus strand (A on the coding strand, the reverse complement: F8 is on the minus strand). VCF-style (leftmost placement, unchanged base first): chrX-154993124-CT-C. GRCh37 (hg19) VCF-style: chrX-154221399-CT-C.
Other names: c.412delA (NM_000132.4); short protein forms S138fs.
Identifiers: ClinVar variation 2691330 (VCV002691330.1), dbSNP rs2073597802, ClinGen allele CA2466856568.
Genomic context (GRCh38, chrX:154,993,124, plus strand): 5'-TGCCAGACATATGTATGGCTTCCACCAGGGAAGACTTTATCATCTTCTTTCTCCCTTTGA[CT>C]GGTCTGATCATCATATTCAGCTCCTATAGCAGGAAGAAATAAAATTGTCCTTTCTATATC-3'

ClinVar aggregate classification (germline): Pathogenic (1 of 4 stars; one submission).

Conditions:
Hereditary factor VIII deficiency disease (HEMA). Also called: HEMOPHILIA, CLASSIC; AUTOSOMAL HEMOPHILIA A; Hemophilia A; Hemophilia A, congenital; HEM A; Factor 8 deficiency, congenital. Identifiers: Orphanet 98878, MedGen C0019069, MONDO:0010602, OMIM 306700.

Allele frequency attached by ClinVar (database versions not stated): TOPMed below 0.00001.

Submission:

Women's Health and Genetics/Laboratory Corporation of America, LabCorp
Classification: Pathogenic for Hereditary factor VIII deficiency disease. Last evaluated: 2023-12-19. Review status: criteria provided, single submitter. Criteria: LabCorp Variant Classification Summary - May 2015. Collection method: clinical testing. Allele origin: germline.
Comment: Variant summary: F8 c.412delA (p.Ser138ValfsX23) results in a premature termination codon, predicted to cause a truncation of the encoded protein or absence of the protein due to nonsense mediated decay, which are commonly known mechanisms for disease. The variant was absent in 182879 control chromosomes. c.412delA has been reported in the literature in at least one individual from a cohort containing hemophilia affected individuals, genetic carriers, or those at risk due to family history (e.g. Johnsen_2017). These report(s) do not provide unequivocal conclusions about association of the variant with Factor VIII Deficiency (Hemophilia A). To our knowledge, no experimental evidence demonstrating an impact on protein function has been reported. The following publication have been ascertained in the context of this evaluation (PMID: 35770352). No submitters have cited clinical-significance assessments for this variant to ClinVar after 2014. Based on the evidence outlined above, the variant was classified as pathogenic.

Literature cited by the submitters: PubMed 35770352.